The following is an entry in ClinVar:

NM_025137.4(SPG11):c.3178A>G (p.Asn1060Asp)

Gene: SPG11 (SPG11 vesicle trafficking associated, spatacsin; minus strand). Cytogenetic location: 15q21.1.
Variant type: single nucleotide variant.
Coding change: c.3178A>G on transcript NM_025137.4 (MANE Select); coding-DNA position 3178, A replaced by G.
Protein change: p.Asn1060Asp; replaces asparagine 1060 with aspartic acid.
Molecular consequence: missense variant.
Genome position (GRCh38, 1-based): chr15:44,610,953, T>C on the plus strand (A>G on the coding strand, the complement: SPG11 is on the minus strand). VCF-style: chr15-44610953-T-C. GRCh37 (hg19) VCF-style: chr15-44903151-T-C.
Other names: c.3178A>G, p.Asn1060Asp (NM_001160227.2); short protein forms N1060D.
Identifiers: ClinVar variation 664406 (VCV000664406.8), dbSNP rs1567161567, ClinGen allele CA392227120.

ClinVar aggregate classification (germline): Uncertain significance (1 of 4 stars; one submission).

Conditions:
Hereditary spastic paraplegia 11. Also called: Spastic paraplegia, mental retardation and thin corpus callosum; Nakamura Osame syndrome; Autosomal recessive hereditary spastic paraplegia, mental impairment, and thin corpus callosum; SPASTIC PARAPLEGIA, AUTOSOMAL RECESSIVE, COMPLICATED, WITH THIN CORPUS CALLOSUM; SPASTIC PARAPLEGIA, AUTOSOMAL RECESSIVE, WITH MENTAL IMPAIRMENT AND THIN CORPUS CALLOSUM; Spastic Paraplegia 11. Identifiers: Orphanet 2822, MedGen C1858479, MONDO:0011445, OMIM 604360.

Allele frequency attached by ClinVar (database versions not stated): gnomAD 0.00001 and 0.00003.
gnomAD v4.1: 1 of 1,613,838 alleles (0.000062%); no homozygotes.

Submission:

Labcorp Genetics (formerly Invitae), Labcorp
Classification: Uncertain significance for Hereditary spastic paraplegia 11. Last evaluated: 2022-07-06. Review status: criteria provided, single submitter. Criteria: Invitae Variant Classification Sherloc (09022015). Collection method: clinical testing. Allele origin: germline.
Comment: In summary, the available evidence is currently insufficient to determine the role of this variant in disease. Therefore, it has been classified as a Variant of Uncertain Significance. Algorithms developed to predict the effect of sequence changes on RNA splicing suggest that this variant may create or strengthen a splice site. Algorithms developed to predict the effect of missense changes on protein structure and function are either unavailable or do not agree on the potential impact of this missense change (SIFT: "Tolerated"; PolyPhen-2: "Possibly Damaging"; Align-GVGD: "Class C0"). ClinVar contains an entry for this variant (Variation ID: 664406). This sequence change replaces asparagine, which is neutral and polar, with aspartic acid, which is acidic and polar, at codon 1060 of the SPG11 protein (p.Asn1060Asp). This variant is not present in population databases (gnomAD no frequency). This variant has not been reported in the literature in individuals affected with SPG11-related conditions.